The following is an entry in ClinVar:

NM_000348.4(SRD5A2):c.115_137del (p.Ser39fs)

Gene: SRD5A2 (steroid 5 alpha-reductase 2; minus strand). Cytogenetic location: 2p23.1.
Variant type: Deletion.
Coding change: c.115_137del on transcript NM_000348.4 (MANE Select); coding-DNA positions 115 to 137, 23 bases deleted (AGCCTGAAGCCGGCGGCTACCCG).
Protein change: p.Ser39fs; shifts the reading frame from serine 39.
Molecular consequence: frameshift variant.
Genome position (GRCh38, 1-based): chr2:31,580,764-31,580,786, CGGGTAGCCGCCGGCTTCAGGCT deleted on the plus strand (AGCCTGAAGCCGGCGGCTACCCG on the coding strand, the reverse complement: SRD5A2 is on the minus strand); deleting any 23 consecutive bases within chr2:31,580,764-31,580,787 gives the same sequence; the c. name uses the placement nearest the transcript's 3' end. VCF-style (leftmost placement, unchanged base first): chr2-31580763-GCGGGTAGCCGCCGGCTTCAGGCT-G. GRCh37 (hg19) VCF-style: chr2-31805833-GCGGGTAGCCGCCGGCTTCAGGCT-G.
Other names: short protein forms S39fs.
Identifiers: ClinVar variation 2863404 (VCV002863404.3), dbSNP rs2465708465, ClinGen allele CA2739274291.

ClinVar aggregate classification (germline): Pathogenic (1 of 4 stars; one submission).

Conditions:
3-Oxo-5 alpha-steroid delta 4-dehydrogenase deficiency (PPSH). Also called: FAMILIAL INCOMPLETE MALE PSEUDOHERMAPHRODITISM, TYPE 2; MALE PSEUDOHERMAPHRODITISM DUE TO 5-ALPHA-REDUCTASE DEFICIENCY; PSEUDOVAGINAL PERINEOSCROTAL HYPOSPADIAS; 46,XY disorder of sex development due to 5-alpha-reductase 2 deficiency. Identifiers: Orphanet 753, MedGen C0268297, MONDO:0009923, OMIM 264600. Disease mechanism: loss of function.

Submission:

Labcorp Genetics (formerly Invitae), Labcorp
Classification: Pathogenic for 3-Oxo-5 alpha-steroid delta 4-dehydrogenase deficiency. Last evaluated: 2023-05-11. Review status: criteria provided, single submitter. Criteria: Invitae Variant Classification Sherloc (09022015). Collection method: clinical testing. Allele origin: germline.
Comment: This variant has not been reported in the literature in individuals affected with SRD5A2-related conditions. This variant is not present in population databases (gnomAD no frequency). This sequence change creates a premature translational stop signal (p.Ser39Profs*89) in the SRD5A2 gene. It is expected to result in an absent or disrupted protein product. Loss-of-function variants in SRD5A2 are known to be pathogenic (PMID: 1406794, 1944596). For these reasons, this variant has been classified as Pathogenic.

Literature cited by the submitters: PubMed 1406794; PubMed 1944596.